The following is an entry in ClinVar:

NM_201384.3(PLEC):c.4801G>A (p.Val1601Met)

Gene: PLEC (plectin; minus strand). Cytogenetic location: 8q24.3.
Variant type: single nucleotide variant.
Coding change: c.4801G>A on transcript NM_201384.3 (MANE Select); coding-DNA position 4801, G replaced by A.
Protein change: p.Val1601Met; replaces valine 1601 with methionine.
Molecular consequence: missense variant.
Genome position (GRCh38, 1-based): chr8:143,925,128, C>T on the plus strand (G>A on the coding strand, the complement: PLEC is on the minus strand). VCF-style: chr8-143925128-C-T. GRCh37 (hg19) VCF-style: chr8-144999296-C-T.
Other names: c.4882G>A (NM_000445.3); c.4882G>A, p.Val1628Met (NM_000445.5); c.4759G>A, p.Val1587Met (NM_201378.4); c.4735G>A, p.Val1579Met (NM_201379.3); c.5212G>A, p.Val1738Met (NM_201380.4); c.4705G>A, p.Val1569Met (NM_201381.3); c.4801G>A, p.Val1601Met (NM_201382.4); c.4813G>A, p.Val1605Met (NM_201383.3); short protein forms V1601M, V1569M, V1605M, V1738M, V1579M, V1587M, V1628M.
Identifiers: ClinVar variation 2166712 (VCV002166712.8), dbSNP rs1185605112, ClinGen allele CA372552875.

ClinVar aggregate classification (germline): Uncertain significance. Review status: criteria provided, multiple submitters, no conflicts (2 of 4 stars). 3 submissions from 3 submitters: Uncertain significance (3). Last evaluated 2023-12-08.

Conditions:
Inborn genetic diseases. Identifiers: MedGen C0950123, MeSH D030342.
Epidermolysis bullosa simplex 5B, with muscular dystrophy (EBS5B). Also called: Epidermolysis bullosa simplex with muscular dystrophy; EPIDERMOLYSIS BULLOSA SIMPLEX AND LIMB-GIRDLE MUSCULAR DYSTROPHY. Identifiers: Orphanet 257, MedGen C2931072, MONDO:0009181, OMIM 226670.
Epidermolysis bullosa simplex, Ogna type (EBS5A). Also called: Pidermolysis bullosa simplex 5A, Ogna type; EPIDERMOLYSIS BULLOSA SIMPLEX 5A, OGNA TYPE. Identifiers: Orphanet 79401, MedGen C0432317, MONDO:0007555, OMIM 131950.
Epidermolysis bullosa simplex 5C, with pyloric atresia (EBS5C). Also called: PLEC-Related Epidermolysis Bullosa with Pyloric Atresia; Epidermolysis bullosa simplex with pyloric atresia; PLEC1-Related Epidermolysis Bullosa with Pyloric Atresia. Identifiers: Orphanet 158684, MedGen C2677349, MONDO:0012807, OMIM 612138.
Autosomal recessive limb-girdle muscular dystrophy type 2Q (LGMDR17). Also called: MUSCULAR DYSTROPHY, LIMB-GIRDLE, AUTOSOMAL RECESSIVE 17. Identifiers: Orphanet 254361, MedGen C3150989, MONDO:0013390, OMIM 613723.
Epidermolysis bullosa simplex with nail dystrophy (EBS5D). Identifiers: MedGen C4225309, MONDO:0014661, OMIM 616487.

Allele frequency attached by ClinVar (database versions not stated): gnomAD exomes below 0.00001; gnomAD 0.00001; TOPMed 0.00001.

Submissions (3):

Ambry Genetics
Classification: Uncertain significance for Inborn genetic diseases. Last evaluated: 2023-12-08. Review status: criteria provided, single submitter. Criteria: Ambry Variant Classification Scheme 2023. Collection method: clinical testing. Allele origin: germline.

Labcorp Genetics (formerly Invitae), Labcorp
Classification: Uncertain significance for Autosomal recessive limb-girdle muscular dystrophy type 2Q; Epidermolysis bullosa simplex, Ogna type; Epidermolysis bullosa simplex with nail dystrophy; Epidermolysis bullosa simplex 5C, with pyloric atresia; Epidermolysis bullosa simplex 5B, with muscular dystrophy. Last evaluated: 2023-10-05. Review status: criteria provided, single submitter. Criteria: Invitae Variant Classification Sherloc (09022015). Collection method: clinical testing. Allele origin: germline.
Comment: This sequence change replaces valine, which is neutral and non-polar, with methionine, which is neutral and non-polar, at codon 1628 of the PLEC protein (p.Val1628Met). This variant is not present in population databases (gnomAD no frequency). This variant has not been reported in the literature in individuals affected with PLEC-related conditions. ClinVar contains an entry for this variant (Variation ID: 2166712). Experimental studies and prediction algorithms are not available or were not evaluated, and the functional significance of this variant is currently unknown. In summary, the available evidence is currently insufficient to determine the role of this variant in disease. Therefore, it has been classified as a Variant of Uncertain Significance.

Revvity Omics, Revvity
Classification: Uncertain significance. Last evaluated: 2020-03-18. Review status: criteria provided, single submitter. Criteria: ACMG Guidelines, 2015. Collection method: clinical testing. Allele origin: germline.